The following is an entry in ClinVar:

ClinVar aggregate classification (germline): Uncertain significance. Review status: criteria provided, multiple submitters, no conflicts (2 of 4 stars). 5 submissions from 5 submitters: Uncertain significance (4). 1 of the submissions does not count toward it. Last evaluated 2024-04-30.

Conditions:
Walker-Warburg congenital muscular dystrophy. Also called: Muscular dystrophy-dystroglycanopathy, type A; Walker-Warburg syndrome. Identifiers: Orphanet 899, MedGen C0265221, MONDO:0000171.
Autosomal recessive limb-girdle muscular dystrophy type 2I. Also called: MUSCULAR DYSTROPHY, LIMB-GIRDLE, TYPE 2I; MUSCULAR DYSTROPHY-DYSTROGLYCANOPATHY (LIMB-GIRDLE), TYPE C, 5; MUSCULAR DYSTROPHY-DYSTROGLYCANOPATHY, LIMB-GIRDLE, FRKP-RELATED. Identifiers: Orphanet 34515, MedGen C1846672, MONDO:0011787, OMIM 607155.
Cardiovascular phenotype. Identifiers: MedGen CN230736.

Allele frequency attached by ClinVar (database versions not stated): gnomAD 0.00001; gnomAD exomes 0.00001.
gnomAD v4.1: 2 of 1,539,152 alleles (0.00013%); highest among the groups gnomAD compares: Admixed American, 0.002%; no homozygotes.

Submissions (5):

Blueprint Genetics
Classification: Uncertain significance. Last evaluated: 2024-04-30. Review status: criteria provided, single submitter. Criteria: ACMG Guidelines, 2015. Collection method: clinical testing. Allele origin: germline.

Ambry Genetics
Classification: Uncertain significance for Cardiovascular phenotype. Last evaluated: 2023-03-31. Review status: criteria provided, single submitter. Criteria: Ambry Variant Classification Scheme 2023. Collection method: clinical testing. Allele origin: germline.
Comment: The p.V173I variant (also known as c.517G>A), located in coding exon 1 of the FKRP gene, results from a G to A substitution at nucleotide position 517. The valine at codon 173 is replaced by isoleucine, an amino acid with highly similar properties. This amino acid position is conserved. In addition, the in silico prediction for this alteration is inconclusive. Since supporting evidence is limited at this time, the clinical significance of this alteration remains unclear.

Labcorp Genetics (formerly Invitae), Labcorp
Classification: Uncertain significance for Walker-Warburg congenital muscular dystrophy. Last evaluated: 2021-10-04. Review status: criteria provided, single submitter. Criteria: Invitae Variant Classification Sherloc (09022015). Collection method: clinical testing. Allele origin: germline.
Comment: This sequence change replaces valine with isoleucine at codon 173 of the FKRP protein (p.Val173Ile). The valine residue is highly conserved and there is a small physicochemical difference between valine and isoleucine. The frequency data for this variant in the population databases is considered unreliable, as metrics indicate insufficient coverage at this position in the ExAC database. This variant has not been reported in the literature in individuals affected with FKRP-related conditions. ClinVar contains an entry for this variant (Variation ID: 585872). Algorithms developed to predict the effect of missense changes on protein structure and function are either unavailable or do not agree on the potential impact of this missense change (SIFT: "Tolerated"; PolyPhen-2: "Probably Damaging"; Align-GVGD: "Class C0"). In summary, the available evidence is currently insufficient to determine the role of this variant in disease. Therefore, it has been classified as a Variant of Uncertain Significance.

Athena Diagnostics
Classification: Uncertain significance. Last evaluated: 2018-04-18. Review status: criteria provided, single submitter. Criteria: Athena Diagnostics Criteria. Collection method: clinical testing. Allele origin: germline.

Natera, Inc.
Classification: Uncertain significance for Limb-girdle muscular dystrophy type 2I. Last evaluated: 2020-09-16. Review status: no assertion criteria provided. Collection method: clinical testing. Allele origin: germline. Not counted in ClinVar's aggregate classification.

NM_024301.5(FKRP):c.517G>A (p.Val173Ile)

Gene: FKRP (fukutin related protein; plus strand). Cytogenetic location: 19q13.32.
Variant type: single nucleotide variant.
Coding change: c.517G>A on transcript NM_024301.5 (MANE Select); coding-DNA position 517, G replaced by A.
Protein change: p.Val173Ile; replaces valine 173 with isoleucine.
Molecular consequence: missense variant.
Genome position (GRCh38, 1-based): chr19:46,755,967, G>A. VCF-style: chr19-46755967-G-A. GRCh37 (hg19) VCF-style: chr19-47259224-G-A.
Other names: c.517G>A, p.Val173Ile (NM_001039885.3); short protein forms V173I.
Identifiers: ClinVar variation 585872 (VCV000585872.7), dbSNP rs1322879846, ClinGen allele CA406495481.
Genomic context (GRCh38, chr19:46,755,967, plus strand): 5'-GCACGTCTGGTGGCCGCCCCGGTTGCCACGGCCAACCCTGCCAGGTGCCTGGCCCTGAAC[G>A]TCAGCCTGCGAGAGTGGACCGCCCGCTATGGCGCAGCCCCCGCCGCGCCCCGCTGCGACG-3'
Protein context (NP_077277.1, residues 163-183): ANPARCLALN[Val173Ile]SLREWTARYG